The following is an entry in ClinVar:

NM_020166.5(MCCC1):c.1674dup (p.Lys559Ter)

Gene: MCCC1 (methylcrotonyl-CoA carboxylase subunit 1; minus strand). Cytogenetic location: 3q27.1.
Variant type: Duplication.
Coding change: c.1674dup on transcript NM_020166.5 (MANE Select); coding-DNA position 1674, one base duplicated (T; older notation c.1674dupT).
Protein change: p.Lys559Ter; replaces lysine 559 with a stop codon.
Molecular consequence: nonsense. On other transcripts: non-coding transcript variant (2).
Genome position (GRCh38, 1-based): chr3:183,033,998, A duplicated on the plus strand (T on the coding strand, the reverse complement: MCCC1 is on the minus strand). VCF-style (leftmost placement, unchanged base first): chr3-183033997-T-TA. GRCh37 (hg19) VCF-style: chr3-182751785-T-TA.
Other names: c.1323dup, p.Lys442Ter (NM_001293273.2); c.1347dup, p.Lys450Ter (NM_001363880.1); short protein forms K442*, K450*, K559*.
Identifiers: ClinVar variation 2714013 (VCV002714013.3), dbSNP rs2530101395, ClinGen allele CA2697557000.

ClinVar aggregate classification (germline): Pathogenic (1 of 4 stars; one submission).

Conditions:
3-methylcrotonyl-CoA carboxylase 1 deficiency (MCC1D). Also called: MCCD TYPE 1; METHYLCROTONYLGLYCINURIA TYPE I; MCC 1 deficiency; 3 Alpha methylcrotonylglycinuria 1. Identifiers: Orphanet 6, MedGen CN028786, MONDO:0008861, OMIM 210200.

Submission:

Labcorp Genetics (formerly Invitae), Labcorp
Classification: Pathogenic for 3-methylcrotonyl-CoA carboxylase 1 deficiency. Last evaluated: 2024-02-23. Review status: criteria provided, single submitter. Criteria: Invitae Variant Classification Sherloc (09022015). Collection method: clinical testing. Allele origin: germline.
Comment: This sequence change creates a premature translational stop signal (p.Lys559*) in the MCCC1 gene. It is expected to result in an absent or disrupted protein product. Loss-of-function variants in MCCC1 are known to be pathogenic (PMID: 11181649, 15359379, 22642865). This variant is not present in population databases (gnomAD no frequency). This variant has not been reported in the literature in individuals affected with MCCC1-related conditions. For these reasons, this variant has been classified as Pathogenic.

Literature cited by the submitters: PubMed 11181649; PubMed 15359379; PubMed 22642865.